The following is an entry in ClinVar:

ClinVar aggregate classification (germline): Uncertain significance. Review status: criteria provided, multiple submitters, no conflicts (2 of 4 stars). 4 submissions from 4 submitters: Uncertain significance (4). Last evaluated 2026-01-02.

Conditions:
ALDH18A1-related de Barsy syndrome. Also called: DE BARSY SYNDROME A; Cutis laxa, autosomal recessive IIIA. Identifiers: Orphanet 2962, Orphanet 35664, MedGen C5234852, MONDO:0009053, OMIM 219150.
Cutis laxa, autosomal dominant 3 (ADCL3). Identifiers: Orphanet 90348, MedGen C4225268, MONDO:0014706, OMIM 616603.
de Barsy syndrome. Also called: Cutis laxa-corneal clouding-oligophrenia syndrome. Identifiers: Orphanet 2962, MedGen C0268354, MONDO:0017569.
Autosomal dominant spastic paraplegia type 9. Identifiers: MedGen C1832669, MONDO:0015091.

Allele frequency attached by ClinVar (database versions not stated): gnomAD exomes 0.00005 and 0.00014; gnomAD 0.00007; TOPMed 0.00011; ExAC 0.00016.
gnomAD v4.1: 79 of 1,563,274 alleles (0.0051%); highest among the groups gnomAD compares: Admixed American, 0.0077%; 1 homozygote.

Submissions (4):

Labcorp Genetics (formerly Invitae), Labcorp
Classification: Uncertain significance for Autosomal dominant spastic paraplegia type 9; de Barsy syndrome; Cutis laxa, autosomal dominant 3. Last evaluated: 2026-01-02. Review status: criteria provided, single submitter. Criteria: Invitae Variant Classification Sherloc (09022015). Collection method: clinical testing. Allele origin: germline.
Comment: This sequence change replaces leucine, which is neutral and non-polar, with glutamine, which is neutral and polar, at codon 535 of the ALDH18A1 protein (p.Leu535Gln). This variant is present in population databases (rs200452017, gnomAD 0.2%). This variant has not been reported in the literature in individuals affected with ALDH18A1-related conditions. ClinVar contains an entry for this variant (Variation ID: 532701). An algorithm developed to predict the effect of missense changes on protein structure and function (PolyPhen-2) suggests that this variant is likely to be disruptive. In summary, the available evidence is currently insufficient to determine the role of this variant in disease. Therefore, it has been classified as a Variant of Uncertain Significance.

Mayo Clinic Laboratories, Mayo Clinic
Classification: Uncertain significance. Last evaluated: 2025-04-26. Review status: criteria provided, single submitter. Criteria: ACMG Guidelines, 2015. Collection method: clinical testing. Allele origin: germline. Observed: 2 variant alleles.
Comment: BS1, PP3_moderate

GeneDx
Classification: Uncertain significance. Last evaluated: 2024-08-21. Review status: criteria provided, single submitter. Criteria: GeneDx Variant Classification Process June 2021. Collection method: clinical testing. Allele origin: germline. Affected: yes.
Comment: Has not been previously published as pathogenic or benign to our knowledge; In silico analysis supports that this missense variant has a deleterious effect on protein structure/function

Illumina Laboratory Services, Illumina
Classification: Uncertain significance for ALDH18A1-related de Barsy syndrome. Last evaluated: 2018-01-13. Review status: criteria provided, single submitter. Criteria: ICSL Variant Classification Criteria 13 December 2019. Collection method: clinical testing. Allele origin: germline.

Literature cited by the submitters: PubMed 36995132 (cited by Mayo Clinic Laboratories, Mayo Clinic).

NM_002860.4(ALDH18A1):c.1604T>A (p.Leu535Gln)

Gene: ALDH18A1 (aldehyde dehydrogenase 18 family member A1; minus strand). Cytogenetic location: 10q24.1.
Variant type: single nucleotide variant.
Coding change: c.1604T>A on transcript NM_002860.4 (MANE Select); coding-DNA position 1604, T replaced by A.
Protein change: p.Leu535Gln; replaces leucine 535 with glutamine.
Molecular consequence: missense variant.
Genome position (GRCh38, 1-based): chr10:95,616,478, A>T on the plus strand (T>A on the coding strand, the complement: ALDH18A1 is on the minus strand). VCF-style: chr10-95616478-A-T. GRCh37 (hg19) VCF-style: chr10-97376235-A-T.
Other names: p.Leu535Gln; c.1598T>A, p.Leu533Gln (NM_001017423.2, NM_001323415.2); c.1271T>A, p.Leu424Gln (NM_001323412.2, NM_001323416.2); c.1604T>A, p.Leu535Gln (NM_001323413.2, NM_001323414.2); c.1499T>A, p.Leu500Gln (NM_001323417.2); c.1265T>A, p.Leu422Gln (NM_001323418.2); c.968T>A, p.Leu323Gln (NM_001323419.2); short protein forms L535Q, L323Q, L424Q, L500Q, L422Q, L533Q.
Identifiers: ClinVar variation 532701 (VCV000532701.15), dbSNP rs200452017, ClinGen allele CA5620277.